The following is an entry in ClinVar:

ClinVar aggregate classification (germline): Uncertain significance (1 of 4 stars; one submission).

Conditions:
Inborn genetic diseases. Identifiers: MedGen C0950123, MeSH D030342.

gnomAD v4.1: 2 of 1,614,088 alleles (0.00012%); highest among the groups gnomAD compares: East Asian, 0.0045%; no homozygotes.

Submission:

Ambry Genetics
Classification: Uncertain significance for Inborn genetic diseases. Last evaluated: 2024-11-24. Review status: criteria provided, single submitter. Criteria: Ambry Variant Classification Scheme 2023. Collection method: clinical testing. Allele origin: germline.
Comment: The p.P144S variant (also known as c.430C>T), located in coding exon 6 of the ASXL1 gene, results from a C to T substitution at nucleotide position 430. The proline at codon 144 is replaced by serine, an amino acid with similar properties. This amino acid position is conserved. In addition, this alteration is predicted to be tolerated by in silico analysis. Based on the available evidence, the clinical significance of this variant remains unclear.

NM_015338.6(ASXL1):c.430C>T (p.Pro144Ser)

Gene: ASXL1 (ASXL transcriptional regulator 1; plus strand). Cytogenetic location: 20q11.21.
Variant type: single nucleotide variant.
Coding change: c.430C>T on transcript NM_015338.6 (MANE Select); coding-DNA position 430, C replaced by T.
Protein change: p.Pro144Ser; replaces proline 144 with serine.
Molecular consequence: missense variant.
Genome position (GRCh38, 1-based): chr20:32,428,381, C>T. VCF-style: chr20-32428381-C-T. GRCh37 (hg19) VCF-style: chr20-31016184-C-T.
Other names: c.400C>T, p.Pro134Ser (NM_001363734.1); short protein forms P144S, P134S.
Identifiers: ClinVar variation 3438776 (VCV003438776.1).